The following is an entry in ClinVar:

ClinVar aggregate classification (germline): Uncertain significance (1 of 4 stars; one submission).

Conditions:
Atypical hemolytic-uremic syndrome. Identifiers: Orphanet 2134, MedGen C2931788, MONDO:0016244.

gnomAD v4.1: 1 of 1,613,654 alleles (0.000062%); highest among the groups gnomAD compares: Non-Finnish European, 0.000085%; no homozygotes.

Submission:

Genomenon, Inc
Classification: Uncertain significance for Atypical hemolytic-uremic syndrome. Last evaluated: 2025-09-26. Review status: criteria provided, single submitter. Criteria: Genomenon Sequence Variant Interpretation Standards - Updated. Collection method: curation. Allele origin: germline. Affected: yes.
Comment: DGKE p.Pro378Arg (c.1133C>G) is a missense variant that changes the amino acid at residue 378 from Proline to Arginine. This variant has been observed in at least one proband affected with atypical hemolytic-uremic syndrome (PMID:28056875). It is absent or not present at a significant frequency in gnomAD. In conclusion, we classify DGKE p.Pro378Arg (c.1133C>G) as a variant of uncertain significance.

Literature cited by the submitters: PubMed 28056875.

NM_003647.3(DGKE):c.1133C>G (p.Pro378Arg)

Gene: DGKE (diacylglycerol kinase epsilon; plus strand). Cytogenetic location: 17q22.
Variant type: single nucleotide variant.
Coding change: c.1133C>G on transcript NM_003647.3 (MANE Select); coding-DNA position 1133, C replaced by G.
Protein change: p.Pro378Arg; replaces proline 378 with arginine.
Molecular consequence: missense variant.
Genome position (GRCh38, 1-based): chr17:56,856,546, C>G. VCF-style: chr17-56856546-C-G. GRCh37 (hg19) VCF-style: chr17-54933907-C-G.
Other names: short protein forms P378R.
Identifiers: ClinVar variation 4280371 (VCV004280371.1).